The following is an entry in ClinVar:

ClinVar aggregate classification (germline): Uncertain significance (1 of 4 stars; one submission).

Conditions:
Cardiomyopathy (CMYO). Also called: Cardiomyopathies. Identifiers: Orphanet 167848, MedGen C0878544, MONDO:0004994, HP:0001638. Inheritance: Various modes of inheritance.

Allele frequency attached by ClinVar (database versions not stated): gnomAD exomes below 0.00001; TOPMed 0.00001.

Submission:

Color Diagnostics, LLC DBA Color Health
Classification: Uncertain significance for Cardiomyopathy. Last evaluated: 2024-03-06. Review status: criteria provided, single submitter. Criteria: ACMG Guidelines, 2015. Collection method: clinical testing. Allele origin: germline.
Comment: This missense variant replaces threonine with isoleucine at codon 301 of the DSC2 protein. Computational prediction is inconclusive regarding the impact of this variant on protein structure and function (internally defined REVEL score threshold 0.5 < inconclusive < 0.7, PMID: 27666373). To our knowledge, functional studies have not been reported for this variant. This variant has not been reported in individuals affected with cardiovascular disorders in the literature. This variant has been identified in 1/251440 chromosomes in the general population by the Genome Aggregation Database (gnomAD). The available evidence is insufficient to determine the role of this variant in disease conclusively. Therefore, this variant is classified as a Variant of Uncertain Significance.

NM_024422.6(DSC2):c.902C>T (p.Thr301Ile)

Gene: DSC2 (desmocollin 2; minus strand). Cytogenetic location: 18q12.1.
Variant type: single nucleotide variant.
Coding change: c.902C>T on transcript NM_024422.6 (MANE Select); coding-DNA position 902, C replaced by T.
Protein change: p.Thr301Ile; replaces threonine 301 with isoleucine.
Molecular consequence: missense variant.
Genome position (GRCh38, 1-based): chr18:31,086,616, G>A on the plus strand (C>T on the coding strand, the complement: DSC2 is on the minus strand). VCF-style: chr18-31086616-G-A. GRCh37 (hg19) VCF-style: chr18-28666579-G-A.
Other names: c.902C>T, p.Thr301Ile (NM_004949.5); short protein forms T301I.
Identifiers: ClinVar variation 926607 (VCV000926607.5), dbSNP rs1213134766, ClinGen allele CA402111908.
Genomic context (GRCh38, chr18:31,086,616, plus strand): 5'-TTTATTAATGTTTATGTTACCTCTCTGTCTAGCTGAGATGATGTTGTGGTGATCACGCCT[G>A]TAGTTGGATGCATAGAAAATAGGGTGGGTGATGGTGGCACCTGCCCAATGATGGAGTACT-3'
Protein context (NP_077740.1, residues 291-311): SPTLFSMHPT[Thr301Ile]GVITTTSSQL